The following is an entry in ClinVar:

NM_002016.2(FLG):c.10620_10623del (p.Ser3540fs)

Genes: FLG (filaggrin; minus strand), CCDST (cervical cancer associated DHX9 suppressive transcript; plus strand). Cytogenetic location: 1q21.3.
Variant type: Deletion.
Coding change: c.10620_10623del on transcript NM_002016.2 (MANE Select); coding-DNA positions 10620 to 10623, 4 bases deleted (CCAG; older notation c.10620_10623delCCAG).
Protein change: p.Ser3540fs; shifts the reading frame from serine 3540.
Molecular consequence: frameshift variant.
Genome position (GRCh38, 1-based): chr1:152,304,263-152,304,266, CTGG deleted on the plus strand (CCAG on the coding strand, the reverse complement: FLG is on the minus strand); deleting any 4 consecutive bases within chr1:152,304,263-152,304,268 gives the same sequence; the c. name uses the placement nearest the transcript's 3' end. VCF-style (leftmost placement, unchanged base first): chr1-152304262-CCTGG-C. GRCh37 (hg19) VCF-style: chr1-152276738-CCTGG-C.
Other names: short protein forms S3540fs.
Identifiers: ClinVar variation 3906978 (VCV003906978.2).

ClinVar aggregate classification (germline): Likely pathogenic (1 of 4 stars; one submission).

Conditions:
Dermatitis, atopic, 2. Identifiers: MedGen C1853965, MONDO:0011596, OMIM 605803.
Ichthyosis vulgaris. Also called: Dominant ichthyosis vulgaris; ICHTHYOSIS SIMPLEX. Identifiers: MedGen C0079584, MONDO:0024304, OMIM 146700.

Submission:

Juno Genomics, Hangzhou Juno Genomics, Inc
Classification: Likely pathogenic for Dermatitis, atopic, 2; Ichthyosis vulgaris. Review status: criteria provided, single submitter. Criteria: ACMG Guidelines, 2015. Collection method: clinical testing. Allele origin: germline. Affected: yes.
Comment: Absent from controls (or at extremely low frequency if recessive) in Genome Aggregation Database, Exome Sequencing Project, 1000 Genomes Project, or Exome Aggregation Consortium.;Null variant in a gene where loss of function (LOF) is a known mechanism of disease.;Patient's phenotype or family history is highly specific for a disease with a single genetic etiology.